The following is an entry in ClinVar:

ClinVar aggregate classification (germline): Uncertain significance (1 of 4 stars; one submission).

Conditions:
Colorectal cancer, susceptibility to, 12 (CRCS12). Also called: COLORECTAL CANCER, SUSCEPTIBILITY TO, ON CHROMOSOME 12q24. Identifiers: Orphanet 220460, MedGen C3554460, MONDO:0014038, OMIM 615083.

Submission:

Labcorp Genetics (formerly Invitae), Labcorp
Classification: Uncertain significance for Colorectal cancer, susceptibility to, 12. Last evaluated: 2018-07-29. Review status: criteria provided, single submitter. Criteria: Invitae Variant Classification Sherloc (09022015). Collection method: clinical testing. Allele origin: germline.
Comment: This sequence change replaces proline with leucine at codon 356 of the POLE protein (p.Pro356Leu). The proline residue is highly conserved and there is a moderate physicochemical difference between proline and leucine. This variant is not present in population databases (ExAC no frequency). This variant has not been reported in the literature in individuals with POLE-related disease. Algorithms developed to predict the effect of missense changes on protein structure and function are either unavailable or do not agree on the potential impact of this missense change (SIFT: "Deleterious"; PolyPhen-2: "Probably Damaging"; Align-GVGD: "Class C0"). In summary, the available evidence is currently insufficient to determine the role of this variant in disease. Therefore, it has been classified as a Variant of Uncertain Significance.

NM_006231.4(POLE):c.1067C>T (p.Pro356Leu)

Gene: POLE (DNA polymerase epsilon, catalytic subunit; minus strand). Cytogenetic location: 12q24.33.
Variant type: single nucleotide variant.
Coding change: c.1067C>T on transcript NM_006231.4 (MANE Select); coding-DNA position 1067, C replaced by T.
Protein change: p.Pro356Leu; replaces proline 356 with leucine.
Molecular consequence: missense variant.
Genome position (GRCh38, 1-based): chr12:132,675,774, G>A on the plus strand (C>T on the coding strand, the complement: POLE is on the minus strand). VCF-style: chr12-132675774-G-A. GRCh37 (hg19) VCF-style: chr12-133252360-G-A.
Other names: short protein forms P356L.
Identifiers: ClinVar variation 656206 (VCV000656206.1), dbSNP rs1593077523, ClinGen allele CA387361509.
Genomic context (GRCh38, chr12:132,675,774, plus strand): 5'-ATAGAGAAGACACAGACTCACCAGTCAAAAAAGTCCCCGTTGTAGGTGACCATGATGGTG[G>A]GTTTGGTCTCCTGGACGTGTTCAAACCACCTTTGGATCAGATGAGCCTGAACCCAAGTCA-3'
Protein context (NP_006222.2, residues 346-366): RWFEHVQETK[Pro356Leu]TIMVTYNGDF